The following is an entry in ClinVar:

NM_000069.3(CACNA1S):c.5135-7C>T

Gene: CACNA1S (calcium voltage-gated channel subunit alpha1 S; minus strand). Cytogenetic location: 1q32.1.
Variant type: single nucleotide variant.
Coding change: c.5135-7C>T on transcript NM_000069.3 (MANE Select); 7 bases into the intron before coding-DNA position 5135, C replaced by T.
Molecular consequence: intron variant.
Genome position (GRCh38, 1-based): chr1:201,040,720, G>A on the plus strand (C>T on the coding strand, the complement: CACNA1S is on the minus strand). VCF-style: chr1-201040720-G-A. GRCh37 (hg19) VCF-style: chr1-201009848-G-A.
Identifiers: ClinVar variation 254845 (VCV000254845.33), dbSNP rs886038223, ClinGen allele CA10586718.
Genomic context (GRCh38, chr1:201,040,720, plus strand): 5'-CCCTCTGGGTCAGCAGTCCCTTCAGCATCTCCACACAGGGTTTGCTGTGGGGTCCTGTAT[G>A]CAAGAAGGGGCAAGGATAAGAGGGGCTGCTGACTCCTGCCAGGAGCCCTGAGTCAACAGA-3'

ClinVar aggregate classification (germline): Likely benign. Review status: criteria provided, multiple submitters, no conflicts (2 of 4 stars). 10 submissions from 7 submitters: Likely benign (10). Last evaluated 2026-01-21.

Conditions:
Congenital myopathy 18. Also called: DIHYDROPYRIDINE RECEPTOR CONGENITAL MYOPATHY; DHPR CONGENITAL MYOPATHY; Myopathy, congenital, due to dihydropyridine receptor defect. Identifiers: MedGen C5830283, MONDO:0859514, OMIM 620246.
Malignant hyperthermia, susceptibility to, 5 (MHS5). Also called: CACNA1S-Related Malignant Hyperthermia Susceptibility. Identifiers: Orphanet 423, MedGen C1866077, MONDO:0011163, OMIM 601887.
Hypokalemic periodic paralysis, type 1. Also called: Hypokalemic Periodic Paralysis Type 1 (AD); HypoPP. Identifiers: Orphanet 681, MedGen C3714580, MONDO:0042979, OMIM 170400.
Thyrotoxic periodic paralysis, susceptibility to, 1 (TTPP1). Identifiers: Orphanet 79102, MedGen C2749982, MONDO:0008570, OMIM 188580.

Allele frequency attached by ClinVar (database versions not stated): gnomAD 0.00001; TOPMed 0.00001; gnomAD exomes 0.00002.

Submissions (10):

Labcorp Genetics (formerly Invitae), Labcorp
Classification: Likely benign for Hypokalemic periodic paralysis, type 1; Malignant hyperthermia, susceptibility to, 5. Last evaluated: 2026-01-21. Review status: criteria provided, single submitter. Criteria: Invitae Variant Classification Sherloc (09022015). Collection method: clinical testing. Allele origin: germline.

CeGaT Center for Human Genetics Tuebingen
Classification: Likely benign. Last evaluated: 2024-05-01. Review status: criteria provided, single submitter. Criteria: CeGaT Center For Human Genetics Tuebingen Variant Classification Criteria Version 2. Collection method: clinical testing. Allele origin: germline. Affected: yes. Observed: 1 variant allele.
Comment: CACNA1S: BP4

All of Us Research Program, National Institutes of Health
Classification: Likely benign for Malignant hyperthermia, susceptibility to, 5. Last evaluated: 2024-02-05. Review status: criteria provided, single submitter. Criteria: ACMG Guidelines, 2015. Collection method: clinical testing. Allele origin: germline. Inheritance: Autosomal dominant inheritance. Observed: 8 variant alleles, 8 heterozygotes.
Comment: This study involves interpretation of variants in research participants for the purpose of population health screening. Participant phenotype was not available at the time of variant classification. Additional details can be found in publication PMID: 35346344, PMCID: PMC8962531

Genome-Nilou Lab
Classification: Likely benign for Malignant hyperthermia, susceptibility to, 5. Last evaluated: 2023-04-11. Review status: criteria provided, single submitter. Criteria: ACMG Guidelines, 2015. Collection method: clinical testing. Allele origin: germline. Affected: no.

Genome-Nilou Lab
Classification: Likely benign for Thyrotoxic periodic paralysis, susceptibility to, 1. Last evaluated: 2023-04-11. Review status: criteria provided, single submitter. Criteria: ACMG Guidelines, 2015. Collection method: clinical testing. Allele origin: germline. Affected: no.

Genome-Nilou Lab
Classification: Likely benign for Congenital myopathy 18. Last evaluated: 2023-04-11. Review status: criteria provided, single submitter. Criteria: ACMG Guidelines, 2015. Collection method: clinical testing. Allele origin: germline. Affected: no.

Genome-Nilou Lab
Classification: Likely benign for Hypokalemic periodic paralysis, type 1. Last evaluated: 2023-04-11. Review status: criteria provided, single submitter. Criteria: ACMG Guidelines, 2015. Collection method: clinical testing. Allele origin: germline. Affected: no.

Color Diagnostics, LLC DBA Color Health
Classification: Likely benign for Malignant hyperthermia, susceptibility to, 5. Last evaluated: 2023-01-20. Review status: criteria provided, single submitter. Criteria: ACMG Guidelines, 2015. Collection method: clinical testing. Allele origin: germline.

Fulgent Genetics
Classification: Likely benign for Hypokalemic periodic paralysis, type 1; Thyrotoxic periodic paralysis, susceptibility to, 1; Malignant hyperthermia, susceptibility to, 5. Last evaluated: 2021-08-10. Review status: criteria provided, single submitter. Criteria: ACMG Guidelines, 2015. Collection method: clinical testing. Allele origin: unknown.

PreventionGenetics, part of Exact Sciences
Classification: Likely benign. Review status: criteria provided, single submitter. Criteria: ACMG Guidelines, 2015. Collection method: clinical testing. Allele origin: germline.